The following is an entry in ClinVar:

NM_006258.4(PRKG1):c.80A>T (p.Glu27Val)

Gene: PRKG1 (protein kinase cGMP-dependent 1; plus strand). Cytogenetic location: 10q11.23.
Variant type: single nucleotide variant.
Coding change: c.80A>T on transcript NM_006258.4 (MANE Select); coding-DNA position 80, A replaced by T.
Protein change: p.Glu27Val; replaces glutamic acid 27 with valine.
Molecular consequence: missense variant. On other transcripts: intron variant (1).
Genome position (GRCh38, 1-based): chr10:51,074,670, A>T. VCF-style: chr10-51074670-A-T. GRCh37 (hg19) VCF-style: chr10-52834430-A-T.
Other names: c.80A>T, p.Glu27Val (NM_001374782.1); c.267-78494A>T (NM_001098512.3); short protein forms E27V.
Identifiers: ClinVar variation 2429671 (VCV002429671.1), dbSNP rs2493151981, ClinGen allele CA376826746.

ClinVar aggregate classification (germline): Uncertain significance (1 of 4 stars; one submission).

Submission:

GeneDx
Classification: Uncertain significance. Last evaluated: 2022-08-09. Review status: criteria provided, single submitter. Criteria: GeneDx Variant Classification Process June 2021. Collection method: clinical testing. Allele origin: germline. Affected: yes.
Comment: Not observed at significant frequency in large population cohorts (gnomAD); In silico analysis supports that this missense variant does not alter protein structure/function; Has not been previously published as pathogenic or benign to our knowledge